The following is an entry in ClinVar:

ClinVar aggregate classification (germline): Likely pathogenic (1 of 4 stars; one submission).

Conditions:
Hereditary cancer-predisposing syndrome. Also called: Hereditary Cancer Syndrome; Hereditary neoplastic syndrome; Neoplastic Syndromes, Hereditary; Tumor predisposition. Identifiers: Orphanet 140162, MedGen C0027672, MeSH D009386, MONDO:0015356.

Submission:

Ambry Genetics
Classification: Likely pathogenic for Hereditary cancer-predisposing syndrome. Last evaluated: 2021-07-28. Review status: criteria provided, single submitter. Criteria: Ambry Variant Classification Scheme 2023. Collection method: clinical testing. Allele origin: germline.
Comment: The c.452_455delCTGGinsATGA variant (also known as p.S151_G152delinsYE), located in coding exon 6 of the SDHC gene, results from an in-frame deletion of CTGG and insertion of ATGA at nucleotide positions 452 to 455. This results in the substitution of the serine and glycine residues for tyrosine and glutamic acid residues at codons 151 and 152. This alteration has been observed in multiple individuals with a paraganglioma (Ambry internal data). Based on internal structural analysis, this variant disrupts a region of SDHC near key binding sites (Zhou Q et al. Protein Cell. 2011 Jul;2:531-42). This variant was not reported in population-based cohorts in the Genome Aggregation Database (gnomAD). This amino acid region is highly conserved in available vertebrate species. In addition, this alteration is predicted to be deleterious by in silico analysis (Choi Y et al. PLoS ONE. 2012; 7(10):e46688). Based on the majority of available evidence to date, this variant is likely to be pathogenic.

NM_003001.5(SDHC):c.452_455delinsATGA (p.Ser151_Gly152delinsTyrGlu)

Gene: SDHC (succinate dehydrogenase complex subunit C; plus strand). Cytogenetic location: 1q23.3.
Variant type: Indel.
Coding change: c.452_455delinsATGA on transcript NM_003001.5 (MANE Select); coding-DNA positions 452 to 455, CTGG replaced by ATGA.
Protein change: p.Ser151_Gly152delinsTyrGlu.
Molecular consequence: missense variant. On other transcripts: nonsense (3).
Genome position (GRCh38, 1-based): chr1:161,362,375-161,362,378, CTGG replaced by ATGA. VCF-style: chr1-161362375-CTGG-ATGA. GRCh37 (hg19) VCF-style: chr1-161332165-CTGG-ATGA.
Other names: c.288_291delCTGGinsATGA, p.Trp97Ter (NM_001035511.3); c.350_353delCTGGinsATGA, p.Ser117_Gly118delinsTyrGlu (NM_001035512.3); c.293_296delCTGGinsATGA, p.Ser98_Gly99delinsTyrGlu (NM_001035513.3); c.186_189delCTGGinsATGA, p.Trp63Ter (NM_001278172.3); c.572_575delCTGGinsATGA, p.Ser191_Gly192delinsTyrGlu (NM_001407115.1); c.395_398delCTGGinsATGA, p.Ser132_Gly133delinsTyrGlu (NM_001407116.1); c.389_392delCTGGinsATGA, p.Ser130_Gly131delinsTyrGlu (NM_001407117.1); c.344_347delCTGGinsATGA, p.Ser115_Gly116delinsTyrGlu (NM_001407118.1); and 2 more; short protein forms W63*, W78*, W97*.
Identifiers: ClinVar variation 1741210 (VCV001741210.2), dbSNP rs2526572703, ClinGen allele CA2580061305.